The following is an entry in ClinVar:

NM_005198.5(CHKB):c.14C>T (p.Ala5Val)

Genes: CHKB (choline kinase beta; minus strand), CHKB-CPT1B (CHKB-CPT1B readthrough (NMD candidate); minus strand). Cytogenetic location: 22q13.33.
Variant type: single nucleotide variant.
Coding change: c.14C>T on transcript NM_005198.5 (MANE Select); coding-DNA position 14, C replaced by T.
Protein change: p.Ala5Val; replaces alanine 5 with valine.
Molecular consequence: missense variant. On other transcripts: non-coding transcript variant (1).
Genome position (GRCh38, 1-based): chr22:50,582,768, G>A on the plus strand (C>T on the coding strand, the complement: CHKB is on the minus strand). VCF-style: chr22-50582768-G-A. GRCh37 (hg19) VCF-style: chr22-51021197-G-A.
Other names: short protein forms A5V.
Identifiers: ClinVar variation 383214 (VCV000383214.17), dbSNP rs199703765, ClinGen allele CA10323930.

ClinVar aggregate classification (germline): Conflicting classifications of pathogenicity. Review status: criteria provided, conflicting classifications (1 of 4 stars). 6 submissions from 6 submitters: Uncertain significance (1); Likely benign (5). Last evaluated 2026-01-19.

Conditions:
CHKB-related disorder. Also called: CHKB-related condition.
Megaconial type congenital muscular dystrophy (MDCMC). Also called: CHKB-Related Muscle Diseases; CHKB-Related Muscular Dystrophy; MUSCULAR DYSTROPHY, CONGENITAL, WITH MITOCHONDRIAL STRUCTURAL ABNORMALITIES. Identifiers: Orphanet 280671, MedGen C1865233, MONDO:0011246, OMIM 602541.

Allele frequency attached by ClinVar (database versions not stated): 1000 Genomes Project 30x 0.00016; 1000 Genomes Project 0.00020; gnomAD exomes 0.00061; gnomAD 0.00080 and 0.00086; TOPMed 0.00090; ExAC 0.00108.
gnomAD v4.1: 665 of 1,577,516 alleles (0.042%); highest among the groups gnomAD compares: Middle Eastern, 0.21%; 2 homozygotes.

Submissions (6):

Labcorp Genetics (formerly Invitae), Labcorp
Classification: Likely benign for Megaconial type congenital muscular dystrophy. Last evaluated: 2026-01-19. Review status: criteria provided, single submitter. Criteria: Invitae Variant Classification Sherloc (09022015). Collection method: clinical testing. Allele origin: germline.

PreventionGenetics, part of Exact Sciences
Classification: Likely benign for CHKB-related condition. Last evaluated: 2025-06-27. Review status: criteria provided, single submitter. Criteria: ACMG Guidelines, 2015. Collection method: clinical testing. Allele origin: germline.
Comment: This variant is classified as likely benign based on ACMG/AMP sequence variant interpretation guidelines (Richards et al. 2015 PMID: 25741868, with internal and published modifications).

Blueprint Genetics
Classification: Likely benign. Last evaluated: 2024-10-25. Review status: criteria provided, single submitter. Criteria: ACMG Guidelines, 2015. Collection method: clinical testing. Allele origin: germline.

Revvity Omics, Revvity
Classification: Uncertain significance for Megaconial type congenital muscular dystrophy. Last evaluated: 2024-03-21. Review status: criteria provided, single submitter. Criteria: ACMG Guidelines, 2015. Collection method: clinical testing. Allele origin: germline.

GeneDx
Classification: Likely benign. Last evaluated: 2016-06-28. Review status: criteria provided, single submitter. Criteria: GeneDx Variant Classification (06012015). Collection method: clinical testing. Allele origin: germline. Affected: yes.
Comment: This variant is considered likely benign or benign based on one or more of the following criteria: it is a conservative change, it occurs at a poorly conserved position in the protein, it is predicted to be benign by multiple in silico algorithms, and/or has population frequency not consistent with disease.

Breakthrough Genomics
Classification: Likely benign. Review status: criteria provided, single submitter. Criteria: ACMG Guidelines, 2015. Collection method: not provided. Allele origin: germline. Inheritance: Autosomal recessive inheritance. Affected: yes.